The following is an entry in ClinVar:

ClinVar aggregate classification (germline): Uncertain significance (1 of 4 stars; one submission).

Conditions:
Hypertrophic cardiomyopathy. Also called: HYPERTROPHIC MYOCARDIOPATHY. Identifiers: Orphanet 217569, MedGen C0007194, MeSH D002312, MONDO:0005045, HP:0001639.

gnomAD v4.1: 1 of 1,588,474 alleles (0.000063%); highest among the groups gnomAD compares: Non-Finnish European, 0.000086%; no homozygotes.

Submission:

All of Us Research Program, National Institutes of Health
Classification: Uncertain significance for Hypertrophic cardiomyopathy. Last evaluated: 2024-03-05. Review status: criteria provided, single submitter. Criteria: ACMG Guidelines, 2015. Collection method: clinical testing. Allele origin: germline. Inheritance: Autosomal dominant inheritance. Observed: 1 variant allele, 1 heterozygote.
Comment: This study involves interpretation of variants in research participants for the purpose of population health screening. Participant phenotype was not available at the time of variant classification. Additional details can be found in publication PMID: 35346344, PMCID: PMC8962531

NM_000256.3(MYBPC3):c.3220G>T (p.Val1074Leu)

Gene: MYBPC3 (myosin binding protein C3; minus strand). Cytogenetic location: 11p11.2.
Variant type: single nucleotide variant.
Coding change: c.3220G>T on transcript NM_000256.3 (MANE Select); coding-DNA position 3220, G replaced by T.
Protein change: p.Val1074Leu; replaces valine 1074 with leucine.
Molecular consequence: missense variant.
Genome position (GRCh38, 1-based): chr11:47,333,304, C>A on the plus strand (G>T on the coding strand, the complement: MYBPC3 is on the minus strand). VCF-style: chr11-47333304-C-A. GRCh37 (hg19) VCF-style: chr11-47354855-C-A.
Other names: short protein forms V1074L.
Identifiers: ClinVar variation 3387097 (VCV003387097.1).
Genomic context (GRCh38, chr11:47,333,304, plus strand): 5'-TGCCGACATCCTGGGGTGGCTTCCACTCCAGAGCCACATTAAGACCCCAGGCGTCAGTCA[C>A]CCGGAGATCCTGGGGAGGACTTGGCTTGTCTGCGGGAGACAGACCCAGTTGGGTCACCAC-3'
Protein context (NP_000247.2, residues 1064-1084): DKPSPPQDLR[Val1074Leu]TDAWGLNVAL